The following is an entry in ClinVar:

ClinVar aggregate classification (germline): Uncertain significance. Review status: criteria provided, multiple submitters, no conflicts (2 of 4 stars). 2 submissions from 2 submitters: Uncertain significance (2). Last evaluated 2024-05-19.

Conditions:
Hereditary cancer-predisposing syndrome. Also called: Tumor predisposition; Neoplastic Syndromes, Hereditary; Hereditary neoplastic syndrome; Hereditary Cancer Syndrome. Identifiers: Orphanet 140162, MedGen C0027672, MeSH D009386, MONDO:0015356.
Ataxia-telangiectasia syndrome (AT). Also called: Ataxia-telangiectasia, complementation group D; AT, COMPLEMENTATION GROUP C; ATAXIA-TELANGIECTASIA, COMPLEMENTATION GROUP A; ATAXIA-TELANGIECTASIA, FRESNO VARIANT; Ataxia-telangiectasia; Ataxia telangiectasia (A-T). Identifiers: Orphanet 100, MedGen C0004135, MONDO:0008840, OMIM 208900.

Submissions (2):

Ambry Genetics
Classification: Uncertain significance for Hereditary cancer-predisposing syndrome. Last evaluated: 2024-05-19. Review status: criteria provided, single submitter. Criteria: Ambry Variant Classification Scheme 2023. Collection method: clinical testing. Allele origin: germline.
Comment: The p.A1949T variant (also known as c.5845G>A), located in coding exon 38 of the ATM gene, results from a G to A substitution at nucleotide position 5845. The alanine at codon 1949 is replaced by threonine, an amino acid with similar properties. This amino acid position is conserved. In addition, this alteration is predicted to be tolerated by in silico analysis. Based on the available evidence, the clinical significance of this variant remains unclear.

Labcorp Genetics (formerly Invitae), Labcorp
Classification: Uncertain significance for Ataxia-telangiectasia syndrome. Last evaluated: 2019-09-01. Review status: criteria provided, single submitter. Criteria: Invitae Variant Classification Sherloc (09022015). Collection method: clinical testing. Allele origin: germline.
Comment: In summary, the available evidence is currently insufficient to determine the role of this variant in disease. Therefore, it has been classified as a Variant of Uncertain Significance. Algorithms developed to predict the effect of missense changes on protein structure and function (SIFT, PolyPhen-2, Align-GVGD) all suggest that this variant is likely to be tolerated, but these predictions have not been confirmed by published functional studies and their clinical significance is uncertain. This variant has not been reported in the literature in individuals with ATM-related conditions. This variant is not present in population databases (ExAC no frequency). This sequence change replaces alanine with threonine at codon 1949 of the ATM protein (p.Ala1949Thr). The alanine residue is moderately conserved and there is a small physicochemical difference between alanine and threonine.

NM_000051.4(ATM):c.5845G>A (p.Ala1949Thr)

Genes: ATM (ATM serine/threonine kinase; plus strand), C11orf65 (chromosome 11 open reading frame 65; minus strand). Cytogenetic location: 11q22.3.
Variant type: single nucleotide variant.
Coding change: c.5845G>A on transcript NM_000051.4 (MANE Select); coding-DNA position 5845, G replaced by A.
Protein change: p.Ala1949Thr; replaces alanine 1949 with threonine.
Molecular consequence: missense variant. On other transcripts: intron variant (2).
Genome position (GRCh38, 1-based): chr11:108,310,242, G>A. VCF-style: chr11-108310242-G-A. GRCh37 (hg19) VCF-style: chr11-108180969-G-A.
Other names: c.5845G>A, p.Ala1949Thr (NM_001351834.2); c.641-1171C>T (NM_001330368.2); c.*39-1171C>T (NM_001351110.2); short protein forms A1949T.
Identifiers: ClinVar variation 963027 (VCV000963027.11), dbSNP rs1555110401, ClinGen allele CA382548448.